The following is an entry in ClinVar:

ClinVar aggregate classification (germline): Likely pathogenic (1 of 4 stars; one submission).

Conditions:
Mowat-Wilson syndrome (MOWS). Also called: Classic Mowat-Wilson Syndrome. Identifiers: Orphanet 2152, MedGen C1856113, MONDO:0009341, OMIM 235730.

Submission:

Labcorp Genetics (formerly Invitae), Labcorp
Classification: Likely pathogenic for Mowat-Wilson syndrome. Last evaluated: 2020-11-13. Review status: criteria provided, single submitter. Criteria: Invitae Variant Classification Sherloc (09022015). Collection method: clinical testing. Allele origin: germline.
Comment: This sequence change replaces histidine with arginine at codon 1049 of the ZEB2 protein (p.His1049Arg). The histidine residue is highly conserved and there is a small physicochemical difference between histidine and arginine. This variant is not present in population databases (ExAC no frequency). This variant has been observed in individual(s) with clinical features of ZEB2-related conditions (Invitae). In at least one individual the variant was observed to be de novo. Algorithms developed to predict the effect of missense changes on protein structure and function (SIFT, PolyPhen-2, Align-GVGD) all suggest that this variant is likely to be disruptive, but these predictions have not been confirmed by published functional studies and their clinical significance is uncertain. In summary, the currently available evidence indicates that the variant is pathogenic, but additional data are needed to prove that conclusively. Therefore, this variant has been classified as Likely Pathogenic.

NM_014795.4(ZEB2):c.3146A>G (p.His1049Arg)

Gene: ZEB2 (zinc finger E-box binding homeobox 2; minus strand). Cytogenetic location: 2q22.3.
Variant type: single nucleotide variant.
Coding change: c.3146A>G on transcript NM_014795.4 (MANE Select); coding-DNA position 3146, A replaced by G.
Protein change: p.His1049Arg; replaces histidine 1049 with arginine.
Molecular consequence: missense variant.
Genome position (GRCh38, 1-based): chr2:144,389,950, T>C on the plus strand (A>G on the coding strand, the complement: ZEB2 is on the minus strand). VCF-style: chr2-144389950-T-C. GRCh37 (hg19) VCF-style: chr2-145147517-T-C.
Other names: c.3074A>G, p.His1025Arg (NM_001171653.2); short protein forms H1025R, H1049R.
Identifiers: ClinVar variation 1026904 (VCV001026904.8), dbSNP rs1114167349, ClinGen allele CA348700958.